The following is an entry in ClinVar:

ClinVar aggregate classification (germline): Conflicting classifications of pathogenicity. Review status: criteria provided, conflicting classifications (1 of 4 stars). 2 submissions from 2 submitters: Likely pathogenic (1); Uncertain significance (1). Last evaluated 2023-12-13.

Conditions:
DSP-related disorder. Also called: DSP-related disorders; DSP-related condition.

Submissions (2):

Blueprint Genetics
Classification: Likely pathogenic for DSP-related disorders. Last evaluated: 2023-12-13. Review status: criteria provided, single submitter. Criteria: ACMG Guidelines, 2015. Collection method: clinical testing. Allele origin: germline. Affected: yes. Observed: 2 variant alleles.

Centre of Medical Genetics, University Hospital Muenster
Classification: Uncertain significance. Last evaluated: 2021-07-08. Review status: criteria provided, single submitter. Criteria: ACMG Guidelines, 2015. Collection method: clinical testing. Allele origin: unknown. Affected: yes. Observed: 1 variant allele, 1 heterozygote.
Comment: ACMG categories: PM2,PP3

NM_004415.4(DSP):c.6477T>A (p.Tyr2159Ter)

Gene: DSP (desmoplakin; plus strand). Cytogenetic location: 6p24.3.
Variant type: single nucleotide variant.
Coding change: c.6477T>A on transcript NM_004415.4 (MANE Select); coding-DNA position 6477, T replaced by A.
Protein change: p.Tyr2159Ter; replaces tyrosine 2159 with a stop codon.
Molecular consequence: nonsense.
Genome position (GRCh38, 1-based): chr6:7,583,739, T>A. VCF-style: chr6-7583739-T-A. GRCh37 (hg19) VCF-style: chr6-7583972-T-A.
Other names: c.4680T>A, p.Tyr1560Ter (NM_001008844.3); c.5148T>A, p.Tyr1716Ter (NM_001319034.2); short protein forms Y1560*, Y1716*, Y2159*.
Identifiers: ClinVar variation 1708423 (VCV001708423.4), dbSNP rs1014118868, ClinGen allele CA362690876.